The following is an entry in ClinVar:

ClinVar aggregate classification (germline): Uncertain significance (1 of 4 stars; one submission).

Allele frequency attached by ClinVar (database versions not stated): ExAC 0.00002; TOPMed 0.00002; gnomAD 0.00003.
gnomAD v4.1: 17 of 1,612,988 alleles (0.0011%); highest among the groups gnomAD compares: Admixed American, 0.02%; no homozygotes.

Submission:

Labcorp Genetics (formerly Invitae), Labcorp
Classification: Uncertain significance. Last evaluated: 2024-03-09. Review status: criteria provided, single submitter. Criteria: Invitae Variant Classification Sherloc (09022015). Collection method: clinical testing. Allele origin: germline.
Comment: This sequence change replaces glycine, which is neutral and non-polar, with alanine, which is neutral and non-polar, at codon 1178 of the RIMS1 protein (p.Gly1178Ala). The frequency data for this variant in the population databases is considered unreliable, as metrics indicate poor data quality at this position in the gnomAD database. This variant has not been reported in the literature in individuals affected with RIMS1-related conditions. ClinVar contains an entry for this variant (Variation ID: 1896750). An algorithm developed to predict the effect of missense changes on protein structure and function (PolyPhen-2) suggests that this variant is likely to be tolerated. In summary, the available evidence is currently insufficient to determine the role of this variant in disease. Therefore, it has been classified as a Variant of Uncertain Significance.

NM_014989.7(RIMS1):c.3533G>C (p.Gly1178Ala)

Gene: RIMS1 (regulating synaptic membrane exocytosis 1; plus strand). Cytogenetic location: 6q13.
Variant type: single nucleotide variant.
Coding change: c.3533G>C on transcript NM_014989.7 (MANE Select); coding-DNA position 3533, G replaced by C.
Protein change: p.Gly1178Ala; replaces glycine 1178 with alanine.
Molecular consequence: missense variant. On other transcripts: intron variant (33).
Genome position (GRCh38, 1-based): chr6:72,284,097, G>C. VCF-style: chr6-72284097-G-C. GRCh37 (hg19) VCF-style: chr6-72993800-G-C.
Other names: c.1676G>C, p.Gly559Ala (NM_001168407.2, NM_001350422.2, NM_001350438.2 and 1 more transcripts); c.1436G>C, p.Gly479Ala (NM_001168409.2, NM_001350469.2); c.1634G>C, p.Gly545Ala (NM_001168410.2); c.1760G>C, p.Gly587Ala (NM_001350415.2, NM_001350445.2); c.1679G>C, p.Gly560Ala (NM_001350416.2, NM_001350417.2, NM_001350442.2 and 2 more transcripts); c.1526G>C, p.Gly509Ala (NM_001350426.2, NM_001350460.2); c.1610G>C, p.Gly537Ala (NM_001350428.2); c.1607G>C, p.Gly536Ala (NM_001350430.2); and 30 more; short protein forms G478A, G508A, G529A, G537A, G539A, G545A, G536A, G559A.
Identifiers: ClinVar variation 1896750 (VCV001896750.5), dbSNP rs775761283, ClinGen allele CA3886277.